The following is an entry in ClinVar:

ClinVar aggregate classification (germline): Pathogenic (1 of 4 stars; one submission).

Conditions:
EGFR-related lung cancer (EGFR). Identifiers: MedGen CN130014.

Submission:

Labcorp Genetics (formerly Invitae), Labcorp
Classification: Pathogenic for EGFR-related lung cancer. Last evaluated: 2021-09-24. Review status: criteria provided, single submitter. Criteria: Invitae Variant Classification Sherloc (09022015). Collection method: clinical testing. Allele origin: germline.
Comment: For these reasons, this variant has been classified as Pathogenic. ClinVar contains an entry for this variant (Variation ID: 1016463). This variant has not been reported in the literature in individuals affected with EGFR-related conditions. This variant is not present in population databases (ExAC no frequency). This sequence change creates a premature translational stop signal (p.Glu513Argfs*55) in the EGFR gene. It is expected to result in an absent or disrupted protein product. Loss-of-function variants in EGFR are known to be pathogenic (PMID: 7630400, 28726809, 29899996).

Literature cited by the submitters: PubMed 7630400; PubMed 28726809; PubMed 29899996.

NM_005228.5(EGFR):c.1536del (p.Glu513fs)

Gene: EGFR (epidermal growth factor receptor; plus strand). Cytogenetic location: 7p11.2.
Variant type: Deletion.
Coding change: c.1536del on transcript NM_005228.5 (MANE Select); coding-DNA position 1536, one base deleted (C; older notation c.1536delC).
Protein change: p.Glu513fs; shifts the reading frame from glutamic acid 513.
Molecular consequence: frameshift variant.
Genome position (GRCh38, 1-based): chr7:55,161,536, C deleted; the last of 5 consecutive C bases (chr7:55,161,532-55,161,536); deleting any one gives the same sequence. VCF-style (leftmost placement, unchanged base first): chr7-55161531-TC-T. GRCh37 (hg19) VCF-style: chr7-55229224-TC-T.
Other names: c.1401del, p.Glu468fs (NM_001346897.2, NM_001346899.2); c.1536del, p.Glu513fs (NM_001346898.2, NM_201282.2, NM_201284.2); c.1377del, p.Glu460fs (NM_001346900.2); c.735del, p.Glu246fs (NM_001346941.2); short protein forms E246fs, E460fs, E468fs, E513fs.
Identifiers: ClinVar variation 1016463 (VCV001016463.6), dbSNP rs1785702810, ClinGen allele CA1708906450.
Genomic context (GRCh38, chr7:55,161,531, plus strand): 5'-ACTGCTGTGACCCACTCTGTCTCCGCAGAGGCCACAGGCCAGGTCTGCCATGCCTTGTGC[TC>T]CCCCGAGGGCTGCTGGGGCCCGGAGCCCAGGGACTGCGTCTCTTGCCGGAATGTCAGCCG-3'